The following is an entry in ClinVar:

ClinVar aggregate classification (germline): Uncertain significance. Review status: criteria provided, multiple submitters, no conflicts (2 of 4 stars). 2 submissions from 2 submitters: Uncertain significance (2). Last evaluated 2024-10-28.

Conditions:
Cardiovascular phenotype. Identifiers: MedGen CN230736.
Brugada syndrome. Also called: Sudden unexpected nocturnal death syndrome; Sudden unexplained nocturnal death syndrome; Sudden Unexplained Death Syndrome; Sudden Unexplained Nocturnal Death Syndrome (SUNDS). Identifiers: Orphanet 130, MedGen C1142166, MONDO:0015263.

Allele frequency attached by ClinVar (database versions not stated): ExAC 0.00001; gnomAD 0.00001.
gnomAD v4.1: 1 of 1,614,044 alleles (0.000062%); highest among the groups gnomAD compares: African/African-American, 0.0013%; no homozygotes.

Submissions (2):

Ambry Genetics
Classification: Uncertain significance for Cardiovascular phenotype. Last evaluated: 2024-10-28. Review status: criteria provided, single submitter. Criteria: Ambry Variant Classification Scheme 2023. Collection method: clinical testing. Allele origin: germline.
Comment: The p.N815K variant (also known as c.2445C>A), located in coding exon 15 of the SCN10A gene, results from a C to A substitution at nucleotide position 2445. The asparagine at codon 815 is replaced by lysine, an amino acid with similar properties. This amino acid position is conserved. In addition, this alteration is predicted to be tolerated by in silico analysis. Since supporting evidence is limited at this time, the clinical significance of this alteration remains unclear.

Labcorp Genetics (formerly Invitae), Labcorp
Classification: Uncertain significance for Brugada syndrome. Last evaluated: 2022-07-05. Review status: criteria provided, single submitter. Criteria: Invitae Variant Classification Sherloc (09022015). Collection method: clinical testing. Allele origin: germline.
Comment: This sequence change replaces asparagine, which is neutral and polar, with lysine, which is basic and polar, at codon 815 of the SCN10A protein (p.Asn815Lys). This variant is present in population databases (rs766449347, gnomAD 0.007%). This variant has not been reported in the literature in individuals affected with SCN10A-related conditions. Advanced modeling of protein sequence and biophysical properties (such as structural, functional, and spatial information, amino acid conservation, physicochemical variation, residue mobility, and thermodynamic stability) performed at Invitae indicates that this missense variant is not expected to disrupt SCN10A protein function. In summary, the available evidence is currently insufficient to determine the role of this variant in disease. Therefore, it has been classified as a Variant of Uncertain Significance.

NM_006514.4(SCN10A):c.2445C>A (p.Asn815Lys)

Gene: SCN10A (sodium voltage-gated channel alpha subunit 10; minus strand). Cytogenetic location: 3p22.2.
Variant type: single nucleotide variant.
Coding change: c.2445C>A on transcript NM_006514.4 (MANE Select); coding-DNA position 2445, C replaced by A.
Protein change: p.Asn815Lys; replaces asparagine 815 with lysine.
Molecular consequence: missense variant.
Genome position (GRCh38, 1-based): chr3:38,728,737, G>T on the plus strand (C>A on the coding strand, the complement: SCN10A is on the minus strand). VCF-style: chr3-38728737-G-T. GRCh37 (hg19) VCF-style: chr3-38770228-G-T.
Other names: c.2445C>A, p.Asn815Lys (NM_001293306.2); c.2151C>A, p.Asn717Lys (NM_001293307.2); short protein forms N717K, N815K.
Identifiers: ClinVar variation 1791378 (VCV001791378.8), dbSNP rs766449347, ClinGen allele CA2320541.
Genomic context (GRCh38, chr3:38,728,737, plus strand): 5'-GAAGTCGTGCATGTGCCAGCGGGGCCAGTCTTCATGGGGCGCGGAGATATTTTTTCGGTT[G>T]TTACGGTAGTTTTCCCCTAGGAGCTGCTTGCCAACCAGAGCAAAGACAAAGACAATGATG-3'
Protein context (NP_006505.4, residues 805-825): GKQLLGENYR[Asn815Lys]NRKNISAPHE